The following is an entry in ClinVar:

NM_173660.5(DOK7):c.535G>C (p.Ala179Pro)

Genes: DOK7 (docking protein 7; plus strand), LOC126806951 (CDK7 strongly-dependent group 2 enhancer GRCh37_chr4:3486115-3487314; plus strand). Cytogenetic location: 4p16.3.
Variant type: single nucleotide variant.
Coding change: c.535G>C on transcript NM_173660.5 (MANE Select); coding-DNA position 535, G replaced by C.
Protein change: p.Ala179Pro; replaces alanine 179 with proline.
Molecular consequence: missense variant. On other transcripts: 5 prime UTR variant (1).
Genome position (GRCh38, 1-based): chr4:3,485,541, G>C. VCF-style: chr4-3485541-G-C. GRCh37 (hg19) VCF-style: chr4-3487268-G-C.
Other names: c.524G>C, p.Gly175Ala (NM_001164673.2); c.-396G>C (NM_001256896.2); c.535G>C, p.Ala179Pro (NM_001301071.2); c.103G>C, p.Ala35Pro (NM_001363811.2); short protein forms A179P, G175A, A35P.
Identifiers: ClinVar variation 1415608 (VCV001415608.5), dbSNP rs756146556, ClinGen allele CA91544426.

ClinVar aggregate classification (germline): Uncertain significance. Review status: criteria provided, multiple submitters, no conflicts (2 of 4 stars). 2 submissions from 2 submitters: Uncertain significance (2). Last evaluated 2026-03-18.

Conditions:
Congenital myasthenic syndrome 10. Also called: Myasthenia, limb-girdle, familial. Identifiers: Orphanet 590, MedGen C1850792, MONDO:0009690, OMIM 254300.
Fetal akinesia deformation sequence 1 (FADS1). Also called: Fetal akinesia sequence; Pena-Shokeir syndrome type I. Identifiers: Orphanet 994, MedGen C1276035, MONDO:0100101, OMIM 208150, HP:0001989.

gnomAD v4.1: 6 of 1,602,162 alleles (0.00037%); highest among the groups gnomAD compares: Admixed American, 0.0051%; no homozygotes.

Submissions (2):

Dasa
Classification: Uncertain significance. Last evaluated: 2026-03-18. Review status: criteria provided, single submitter. Criteria: DASA Assertion Criteria. Collection method: clinical testing. Allele origin: germline.
Comment: NM_173660.5(DOK7):c.535G>C (p.Ala179Pro) is a missense variant that results in the substitution of alanine with proline. This variant has been observed in affected individuals with DOK7-related disorders. Also, this variant is rare in population databases. Computational prediction algorithms are consistent with a deleterious effect. The currently available literature and clinical evidence are not sufficient to establish a definitive association between this variant and the reported condition. Therefore, this variant is classified as a variant of uncertain significance.

Labcorp Genetics (formerly Invitae), Labcorp
Classification: Uncertain significance for Congenital myasthenic syndrome 10; Fetal akinesia deformation sequence 1. Last evaluated: 2021-10-23. Review status: criteria provided, single submitter. Criteria: Invitae Variant Classification Sherloc (09022015). Collection method: clinical testing. Allele origin: germline.
Comment: This sequence change replaces alanine with proline at codon 179 of the DOK7 protein (p.Ala179Pro). The alanine residue is highly conserved and there is a small physicochemical difference between alanine and proline. This variant is not present in population databases (ExAC no frequency). This variant has not been reported in the literature in individuals affected with DOK7-related conditions. Algorithms developed to predict the effect of missense changes on protein structure and function are either unavailable or do not agree on the potential impact of this missense change (SIFT: "Deleterious"; PolyPhen-2: "Probably Damaging"; Align-GVGD: "Class C0"). In summary, the available evidence is currently insufficient to determine the role of this variant in disease. Therefore, it has been classified as a Variant of Uncertain Significance.